The following is an entry in ClinVar:

ClinVar aggregate classification (germline): Uncertain significance (1 of 4 stars; one submission).

gnomAD v4.1: 2 of 1,613,862 alleles (0.00012%); highest among the groups gnomAD compares: Non-Finnish European, 0.00017%; no homozygotes.

Submission:

Labcorp Genetics (formerly Invitae), Labcorp
Classification: Uncertain significance. Last evaluated: 2023-12-20. Review status: criteria provided, single submitter. Criteria: Invitae Variant Classification Sherloc (09022015). Collection method: clinical testing. Allele origin: germline.
Comment: This sequence change replaces valine, which is neutral and non-polar, with isoleucine, which is neutral and non-polar, at codon 1084 of the SNRNP200 protein (p.Val1084Ile). This variant is not present in population databases (gnomAD no frequency). This variant has not been reported in the literature in individuals affected with SNRNP200-related conditions. ClinVar contains an entry for this variant (Variation ID: 1442568). Advanced modeling of protein sequence and biophysical properties (such as structural, functional, and spatial information, amino acid conservation, physicochemical variation, residue mobility, and thermodynamic stability) performed at Invitae indicates that this missense variant is not expected to disrupt SNRNP200 protein function with a negative predictive value of 80%. In summary, the available evidence is currently insufficient to determine the role of this variant in disease. Therefore, it has been classified as a Variant of Uncertain Significance.

NM_014014.5(SNRNP200):c.3250G>A (p.Val1084Ile)

Gene: SNRNP200 (small nuclear ribonucleoprotein U5 subunit 200; minus strand). Cytogenetic location: 2q11.2.
Variant type: single nucleotide variant.
Coding change: c.3250G>A on transcript NM_014014.5 (MANE Select); coding-DNA position 3250, G replaced by A.
Protein change: p.Val1084Ile; replaces valine 1084 with isoleucine.
Molecular consequence: missense variant.
Genome position (GRCh38, 1-based): chr2:96,288,671, C>T on the plus strand (G>A on the coding strand, the complement: SNRNP200 is on the minus strand). VCF-style: chr2-96288671-C-T. GRCh37 (hg19) VCF-style: chr2-96954409-C-T.
Other names: short protein forms V1084I.
Identifiers: ClinVar variation 1442568 (VCV001442568.8), dbSNP rs1180809021, ClinGen allele CA347673407.